The following is an entry in ClinVar:

ClinVar aggregate classification (germline): Conflicting classifications of pathogenicity. Review status: criteria provided, conflicting classifications (1 of 4 stars). 7 submissions from 7 submitters: Uncertain significance (5); Likely benign (1). 1 of the submissions does not count toward it. Last evaluated 2025-12-24.

Conditions:
COL11A2-related disorder. Also called: COL11A2-related condition; COL11A2-related disorders.
Inborn genetic diseases. Identifiers: MedGen C0950123, MeSH D030342.

Allele frequency attached by ClinVar (database versions not stated): gnomAD exomes 0.00006; TOPMed 0.00006; ExAC 0.00010; gnomAD 0.00010.
gnomAD v4.1: 196 of 1,581,662 alleles (0.012%); highest among the groups gnomAD compares: Non-Finnish European, 0.016%; no homozygotes.

Submissions (7):

Labcorp Genetics (formerly Invitae), Labcorp
Classification: Likely benign. Last evaluated: 2025-12-24. Review status: criteria provided, single submitter. Criteria: Invitae Variant Classification Sherloc (09022015). Collection method: clinical testing. Allele origin: germline.

Blueprint Genetics
Classification: Uncertain significance. Last evaluated: 2024-09-03. Review status: criteria provided, single submitter. Criteria: ACMG Guidelines, 2015. Collection method: clinical testing. Allele origin: germline.

Ambry Genetics
Classification: Uncertain significance for Inborn genetic diseases. Last evaluated: 2024-03-04. Review status: criteria provided, single submitter. Criteria: Ambry Variant Classification Scheme 2023. Collection method: clinical testing. Allele origin: germline.

GeneDx
Classification: Uncertain significance. Last evaluated: 2023-12-17. Review status: criteria provided, single submitter. Criteria: GeneDx Variant Classification Process June 2021. Collection method: clinical testing. Allele origin: germline. Affected: yes.
Comment: Has not been previously published as pathogenic or benign to our knowledge; In silico analysis supports that this missense variant has a deleterious effect on protein structure/function

Revvity Omics, Revvity
Classification: Uncertain significance. Last evaluated: 2022-06-08. Review status: criteria provided, single submitter. Criteria: ACMG Guidelines, 2015. Collection method: clinical testing. Allele origin: germline.

Athena Diagnostics
Classification: Uncertain significance. Last evaluated: 2019-04-19. Review status: criteria provided, single submitter. Criteria: Athena Diagnostics Criteria. Collection method: clinical testing. Allele origin: germline.

PreventionGenetics, part of Exact Sciences
Classification: Uncertain significance for COL11A2-related condition. Last evaluated: 2024-03-07. Review status: no assertion criteria provided. Collection method: clinical testing. Allele origin: germline. Not counted in ClinVar's aggregate classification.
Comment: The COL11A2 c.4898G>A variant is predicted to result in the amino acid substitution p.Gly1633Asp. To our knowledge, this variant has not been reported in the literature. This variant is reported in 0.013% of alleles in individuals of European (Non-Finnish) descent in gnomAD. At this time, the clinical significance of this variant is uncertain due to the absence of conclusive functional and genetic evidence.

NM_080680.3(COL11A2):c.4898G>A (p.Gly1633Asp)

Gene: COL11A2 (collagen type XI alpha 2 chain; minus strand). Cytogenetic location: 6p21.32.
Variant type: single nucleotide variant.
Coding change: c.4898G>A on transcript NM_080680.3 (MANE Select); coding-DNA position 4898, G replaced by A.
Protein change: p.Gly1633Asp; replaces glycine 1633 with aspartic acid.
Molecular consequence: missense variant.
Genome position (GRCh38, 1-based): chr6:33,164,439, C>T on the plus strand (G>A on the coding strand, the complement: COL11A2 is on the minus strand). VCF-style: chr6-33164439-C-T. GRCh37 (hg19) VCF-style: chr6-33132216-C-T.
Other names: c.4577G>A, p.Gly1526Asp (NM_080679.3); c.4640G>A, p.Gly1547Asp (NM_080681.3); short protein forms G1526D, G1547D, G1633D.
Identifiers: ClinVar variation 804699 (VCV000804699.17), dbSNP rs143920565, ClinGen allele CA3749959.
Genomic context (GRCh38, chr6:33,164,439, plus strand): 5'-TAGGAGACGTCCTGGTGGGCTGAGACGCTGAGCAGCCGCAGGAAGGTGAGCTGGACCACA[C>T]CCACTGGGGAGCCCTCTGAGTCCACGTAAGAGAACTGGAAGGAGAGAGAGGGCTGGCCTC-3'
Protein context (NP_542411.2, residues 1623-1643): SYVDSEGSPV[Gly1633Asp]VVQLTFLRLL